The following is an entry in ClinVar:

ClinVar aggregate classification (germline): Benign (0 of 4 stars; one submission).

Conditions:
RALGAPB-related disorder. Also called: RALGAPB-related condition.

Allele frequency attached by ClinVar (database versions not stated): TOPMed 0.00061; 1000 Genomes Project 30x 0.00062; 1000 Genomes Project 0.00080; ESP Exome Variant Server 0.00085; gnomAD exomes 0.00118; ExAC 0.00129; gnomAD 0.00144.
gnomAD v4.1: 1,907 of 1,612,832 alleles (0.12%); highest among the groups gnomAD compares: Non-Finnish European, 0.11%; 2 homozygotes.

Submission:

PreventionGenetics, part of Exact Sciences
Classification: Benign for RALGAPB-related condition. Last evaluated: 2019-11-25. Review status: no assertion criteria provided. Collection method: clinical testing. Allele origin: germline.
Comment: This variant is classified as benign based on ACMG/AMP sequence variant interpretation guidelines (Richards et al. 2015 PMID: 25741868, with internal and published modifications).

NM_020336.4(RALGAPB):c.3962C>T (p.Pro1321Leu)

Gene: RALGAPB (Ral GTPase activating protein non-catalytic subunit beta; plus strand). Cytogenetic location: 20q11.23.
Variant type: single nucleotide variant.
Coding change: c.3962C>T on transcript NM_020336.4 (MANE Select); coding-DNA position 3962, C replaced by T.
Protein change: p.Pro1321Leu; replaces proline 1321 with leucine.
Molecular consequence: missense variant.
Genome position (GRCh38, 1-based): chr20:38,569,895, C>T. VCF-style: chr20-38569895-C-T. GRCh37 (hg19) VCF-style: chr20-37198538-C-T.
Other names: c.3962C>T, p.Pro1321Leu (NM_001282917.2); c.3953C>T, p.Pro1318Leu (NM_001282918.2); short protein forms P1318L, P1321L.
Identifiers: ClinVar variation 3049755 (VCV003049755.2), dbSNP rs138668856, ClinGen allele CA9854634.